The following is an entry in ClinVar:

NM_001136018.4(EPHX1):c.1216T>C (p.Leu406=)

Genes: EPHX1 (epoxide hydrolase 1; plus strand), TMEM63A (transmembrane protein 63A; minus strand). Cytogenetic location: 1q42.12.
Variant type: single nucleotide variant.
Coding change: c.1216T>C on transcript NM_001136018.4 (MANE Select); coding-DNA position 1216, T replaced by C.
Protein change: p.Leu406=; no amino-acid change (leucine 406 retained).
Molecular consequence: synonymous variant. On other transcripts: non-coding transcript variant (4).
Genome position (GRCh38, 1-based): chr1:225,845,195, T>C. VCF-style: chr1-225845195-T-C. GRCh37 (hg19) VCF-style: chr1-226032896-T-C.
Other names: c.1216T>C, p.Leu406= (NM_000120.4, NM_001291163.2, NM_001378426.1 and 1 more transcripts); c.1189T>C, p.Leu397= (NM_001378428.1); c.1168T>C, p.Leu390= (NM_001378429.1, NM_001378430.1); c.988T>C, p.Leu330= (NM_001378431.1); c.649T>C, p.Leu217= (NM_001378432.1).
Identifiers: ClinVar variation 780303 (VCV000780303.6), dbSNP rs2234700, ClinGen allele CA1418690.

ClinVar aggregate classification (germline): Benign. Review status: criteria provided, multiple submitters, no conflicts (2 of 4 stars). 4 submissions from 4 submitters: Benign (4). Last evaluated 2025-11-21.

Conditions:
EPHX1-related disorder. Also called: EPHX1-related condition.

Allele frequency attached by ClinVar (database versions not stated): gnomAD exomes 0.00169 and 0.00429; ExAC 0.00553; gnomAD 0.01467 and 0.01545; ESP Exome Variant Server 0.01599; TOPMed 0.01676; 1000 Genomes Project 0.02117; 1000 Genomes Project 30x 0.02358.
gnomAD v4.1: 4,819 of 1,614,128 alleles (0.3%); highest among the groups gnomAD compares: African/African-American, 5.1%; 119 homozygotes.

Submissions (4):

PreventionGenetics, part of Exact Sciences
Classification: Benign for EPHX1-related condition. Last evaluated: 2025-11-21. Review status: criteria provided, single submitter. Criteria: ACMG Guidelines, 2015. Collection method: clinical testing. Allele origin: germline.
Comment: This variant is classified as benign based on ACMG/AMP sequence variant interpretation guidelines (Richards et al. 2015 PMID: 25741868, with internal and published modifications).

GeneDx
Classification: Benign. Last evaluated: 2021-06-09. Review status: criteria provided, single submitter. Criteria: GeneDx Variant Classification Process June 2021. Collection method: clinical testing. Allele origin: germline. Affected: yes.

Labcorp Genetics (formerly Invitae), Labcorp
Classification: Benign. Last evaluated: 2018-08-16. Review status: criteria provided, single submitter. Criteria: Invitae Variant Classification Sherloc (09022015). Collection method: clinical testing. Allele origin: germline.

Breakthrough Genomics
Classification: Benign. Review status: criteria provided, single submitter. Criteria: ACMG Guidelines, 2015. Collection method: not provided. Allele origin: germline. Inheritance: Unknown mechanism. Affected: yes.